The following is an entry in ClinVar:

NM_006031.6(PCNT):c.7495-3C>G

Gene: PCNT (pericentrin; plus strand). Cytogenetic location: 21q22.3.
Variant type: single nucleotide variant.
Coding change: c.7495-3C>G on transcript NM_006031.6 (MANE Select); 3 bases into the intron before coding-DNA position 7495, C replaced by G.
Molecular consequence: intron variant.
Genome position (GRCh38, 1-based): chr21:46,428,392, C>G. VCF-style: chr21-46428392-C-G. GRCh37 (hg19) VCF-style: chr21-47848306-C-G.
Other names: c.7141-3C>G (NM_001315529.2).
Identifiers: ClinVar variation 2634328 (VCV002634328.2), dbSNP rs1392500282, ClinGen allele CA638200274.
Genomic context (GRCh38, chr21:46,428,392, plus strand): 5'-GGGAAGGCCGGGGCATGGGGTGGCTGCCCAATGCTCAGGCTGCTTGTCCCATTGTGCCCC[C>G]AGGGAGACCTGCAGGAAAAGTCCCTGGAGCATCTTCGCTTGCCGGACCGGAGCAGCCTGC-3'

ClinVar aggregate classification (germline): Uncertain significance (1 of 4 stars; one submission).

Conditions:
PCNT-related disorder. Also called: PCNT-related condition.

Allele frequency attached by ClinVar (database versions not stated): gnomAD 0.00001; TOPMed 0.00001.
gnomAD v4.1: 37 of 1,611,680 alleles (0.0023%); highest among the groups gnomAD compares: Non-Finnish European, 0.0029%; no homozygotes.

Submission:

PreventionGenetics, part of Exact Sciences
Classification: Uncertain significance for PCNT-related condition. Last evaluated: 2025-09-22. Review status: criteria provided, single submitter. Criteria: ACMG Guidelines, 2015. Collection method: clinical testing. Allele origin: germline.
Comment: The PCNT c.7495-3C>G variant is predicted to interfere with splicing. This variant is predicted to impact splicing based on a splicing prediction program (SpliceAI, Jaganathan K, et al. 2019. PubMed ID: 30661751). To our knowledge, this variant has not been reported in the literature. This variant is reported in 0.00090% of alleles in individuals of European (Non-Finnish) descent in gnomAD. At this time, the clinical significance of this variant is uncertain due to the absence of conclusive functional and genetic evidence.